The following is an entry in ClinVar:

ClinVar aggregate classification (germline): Uncertain significance. Review status: criteria provided, multiple submitters, no conflicts (2 of 4 stars). 2 submissions from 2 submitters: Uncertain significance (2). Last evaluated 2024-01-31.

Allele frequency attached by ClinVar (database versions not stated): gnomAD exomes below 0.00001; TOPMed 0.00004.
gnomAD v4.1: 5 of 1,614,208 alleles (0.00031%); highest among the groups gnomAD compares: East Asian, 0.0045%; no homozygotes.

Submissions (2):

Ambry Genetics
Classification: Uncertain significance. Last evaluated: 2024-01-31. Review status: criteria provided, single submitter. Criteria: Ambry Variant Classification Scheme 2023. Collection method: clinical testing. Allele origin: germline.

Labcorp Genetics (formerly Invitae), Labcorp
Classification: Uncertain significance. Last evaluated: 2023-04-20. Review status: criteria provided, single submitter. Criteria: Invitae Variant Classification Sherloc (09022015). Collection method: clinical testing. Allele origin: germline.
Comment: This variant has not been reported in the literature in individuals affected with YME1L1-related conditions. This variant is present in population databases (rs199533316, gnomAD 0.006%). This sequence change replaces tyrosine, which is neutral and polar, with histidine, which is basic and polar, at codon 608 of the YME1L1 protein (p.Tyr608His). An algorithm developed to predict the effect of missense changes on protein structure and function (PolyPhen-2) suggests that this variant is likely to be disruptive. In summary, the available evidence is currently insufficient to determine the role of this variant in disease. Therefore, it has been classified as a Variant of Uncertain Significance.

NM_014263.4(YME1L1):c.1651T>C (p.Tyr551His)

Gene: YME1L1 (YME1 like 1 ATPase; minus strand). Cytogenetic location: 10p12.1.
Variant type: single nucleotide variant.
Coding change: c.1651T>C on transcript NM_014263.4 (MANE Select); coding-DNA position 1651, T replaced by C.
Protein change: p.Tyr551His; replaces tyrosine 551 with histidine.
Molecular consequence: missense variant.
Genome position (GRCh38, 1-based): chr10:27,117,644, A>G on the plus strand (T>C on the coding strand, the complement: YME1L1 is on the minus strand). VCF-style: chr10-27117644-A-G. GRCh37 (hg19) VCF-style: chr10-27406573-A-G.
Other names: c.1552T>C, p.Tyr518His (NM_001253866.2); c.1822T>C, p.Tyr608His (NM_139312.3); c.1822T>C (NM_139312.1); short protein forms Y551H, Y518H, Y608H.
Identifiers: ClinVar variation 2785398 (VCV002785398.4), dbSNP rs199533316, ClinGen allele CA204418457.
Genomic context (GRCh38, chr10:27,117,644, plus strand): 5'-GTGTTGGCCCCCGTGGCATGATTGTAGCTTTGTTGATAGGCATTGCATCTTTTGTGTAAT[A>G]TGCAATAATGGCATGACCAGATTCATGATATGCTGTGATGGTTTTGTTTTTGTTATCAAT-3'
Protein context (NP_055078.1, residues 541-561): YHESGHAIIA[Tyr551His]YTKDAMPINK